The following is an entry in ClinVar:

NM_022114.4(PRDM16):c.3284+14C>T

Gene: PRDM16 (PR/SET domain 16; plus strand). Cytogenetic location: 1p36.32.
Variant type: single nucleotide variant.
Coding change: c.3284+14C>T on transcript NM_022114.4 (MANE Select); 14 bases into the intron after coding-DNA position 3284, C replaced by T.
Molecular consequence: intron variant.
Genome position (GRCh38, 1-based): chr1:3,426,239, C>T. VCF-style: chr1-3426239-C-T. GRCh37 (hg19) VCF-style: chr1-3342803-C-T.
Other names: c.3284+14C>T (NM_199454.3).
Identifiers: ClinVar variation 515150 (VCV000515150.8), dbSNP rs201774450, ClinGen allele CA544797.

ClinVar aggregate classification (germline): Likely benign. Review status: criteria provided, multiple submitters, no conflicts (2 of 4 stars). 2 submissions from 2 submitters: Likely benign (2). Last evaluated 2025-12-10.

Conditions:
Left ventricular noncompaction 8 (LVNC8). Identifiers: Orphanet 154, Orphanet 54260, MedGen C3809288, MONDO:0014152, OMIM 615373.

Allele frequency attached by ClinVar (database versions not stated): gnomAD 0.00002; ExAC 0.00003; TOPMed 0.00003; gnomAD exomes 0.00004 and 0.00005.
gnomAD v4.1: 76 of 1,609,822 alleles (0.0047%); highest among the groups gnomAD compares: Non-Finnish European, 0.0058%; no homozygotes.

Submissions (2):

Labcorp Genetics (formerly Invitae), Labcorp
Classification: Likely benign for Left ventricular noncompaction 8. Last evaluated: 2025-12-10. Review status: criteria provided, single submitter. Criteria: Invitae Variant Classification Sherloc (09022015). Collection method: clinical testing. Allele origin: germline.

GeneDx
Classification: Likely benign. Last evaluated: 2018-01-25. Review status: criteria provided, single submitter. Criteria: GeneDx Variant Classification (06012015). Collection method: clinical testing. Allele origin: germline. Affected: yes.
Comment: This variant is considered likely benign or benign based on one or more of the following criteria: it is a conservative change, it occurs at a poorly conserved position in the protein, it is predicted to be benign by multiple in silico algorithms, and/or has population frequency not consistent with disease.